The following is an entry in ClinVar:

NM_017763.6(RNF43):c.214G>A (p.Val72Ile)

Gene: RNF43 (ring finger protein 43; minus strand). Cytogenetic location: 17q22.
Variant type: single nucleotide variant.
Coding change: c.214G>A on transcript NM_017763.6 (MANE Select); coding-DNA position 214, G replaced by A.
Protein change: p.Val72Ile; replaces valine 72 with isoleucine.
Molecular consequence: missense variant.
Genome position (GRCh38, 1-based): chr17:58,415,364, C>T on the plus strand (G>A on the coding strand, the complement: RNF43 is on the minus strand). VCF-style: chr17-58415364-C-T. GRCh37 (hg19) VCF-style: chr17-56492725-C-T.
Other names: c.214G>A, p.Val72Ile (NM_001305544.3); short protein forms V72I.
Identifiers: ClinVar variation 3946825 (VCV003946825.1).

ClinVar aggregate classification (germline): Uncertain significance (1 of 4 stars; one submission).

Submission:

Ambry Genetics
Classification: Uncertain significance. Last evaluated: 2025-03-22. Review status: criteria provided, single submitter. Criteria: Ambry Variant Classification Scheme 2023. Collection method: clinical testing. Allele origin: germline.
Comment: The p.V72I variant (also known as c.214G>A), located in coding exon 1 of the RNF43 gene, results from a G to A substitution at nucleotide position 214. The valine at codon 72 is replaced by isoleucine, an amino acid with highly similar properties. This amino acid position is conserved. In addition, this alteration is predicted to be tolerated by in silico analysis. Based on the available evidence, the clinical significance of this variant remains unclear.